The following is an entry in ClinVar:

ClinVar aggregate classification (germline): Uncertain significance (1 of 4 stars; one submission).

Conditions:
Primary immunodeficiency with post-measles-mumps-rubella vaccine viral infection. Also called: Immunodeficiency 44. Identifiers: Orphanet 431166, MedGen C4225260, MONDO:0014715, OMIM 616636.

Submission:

Labcorp Genetics (formerly Invitae), Labcorp
Classification: Uncertain significance for Primary immunodeficiency with post-measles-mumps-rubella vaccine viral infection. Last evaluated: 2022-08-17. Review status: criteria provided, single submitter. Criteria: Invitae Variant Classification Sherloc (09022015). Collection method: clinical testing. Allele origin: germline.
Comment: This sequence change falls in intron 10 of the STAT2 gene. It does not directly change the encoded amino acid sequence of the STAT2 protein. This variant is not present in population databases (gnomAD no frequency). This variant has not been reported in the literature in individuals affected with STAT2-related conditions. Algorithms developed to predict the effect of sequence changes on RNA splicing suggest that this variant may create or strengthen a splice site. In summary, the available evidence is currently insufficient to determine the role of this variant in disease. Therefore, it has been classified as a Variant of Uncertain Significance.

NM_005419.4(STAT2):c.1035-6C>T

Gene: STAT2 (signal transducer and activator of transcription 2; minus strand). Cytogenetic location: 12q13.3.
Variant type: single nucleotide variant.
Coding change: c.1035-6C>T on transcript NM_005419.4 (MANE Select); 6 bases into the intron before coding-DNA position 1035, C replaced by T.
Molecular consequence: intron variant.
Genome position (GRCh38, 1-based): chr12:56,350,894, G>A on the plus strand (C>T on the coding strand, the complement: STAT2 is on the minus strand). VCF-style: chr12-56350894-G-A. GRCh37 (hg19) VCF-style: chr12-56744678-G-A.
Other names: c.1023-6C>T (NM_001385110.1, NM_001385115.1, NM_198332.2); c.1035-6C>T (NM_001385114.1, NM_001385111.1, NM_001385113.1).
Identifiers: ClinVar variation 2024491 (VCV002024491.1), dbSNP rs2547255537, ClinGen allele CA2580086515.